The following is an entry in ClinVar:

ClinVar aggregate classification (germline): Likely benign. Review status: criteria provided, multiple submitters, no conflicts (2 of 4 stars). 3 submissions from 3 submitters: Likely benign (2). 1 of the submissions does not count toward it. Last evaluated 2025-11-23.

Conditions:
RHBDF2-related disorder. Also called: RHBDF2-related condition.

Allele frequency attached by ClinVar (database versions not stated): gnomAD 0.00002; TOPMed 0.00002; ExAC 0.00003; 1000 Genomes Project 30x 0.00016; 1000 Genomes Project 0.00020.
gnomAD v4.1: 48 of 1,608,046 alleles (0.003%); highest among the groups gnomAD compares: South Asian, 0.029%; no homozygotes.

Submissions (3):

Labcorp Genetics (formerly Invitae), Labcorp
Classification: Likely benign. Last evaluated: 2025-11-23. Review status: criteria provided, single submitter. Criteria: Invitae Variant Classification Sherloc (09022015). Collection method: clinical testing. Allele origin: germline.

Blueprint Genetics
Classification: Likely benign. Last evaluated: 2024-10-10. Review status: criteria provided, single submitter. Criteria: ACMG Guidelines, 2015. Collection method: clinical testing. Allele origin: germline.

PreventionGenetics, part of Exact Sciences
Classification: Likely benign for RHBDF2-related condition. Last evaluated: 2019-06-30. Review status: no assertion criteria provided. Collection method: clinical testing. Allele origin: germline. Not counted in ClinVar's aggregate classification.
Comment: This variant is classified as likely benign based on ACMG/AMP sequence variant interpretation guidelines (Richards et al. 2015 PMID: 25741868, with internal and published modifications).

NM_001005498.4(RHBDF2):c.673-9C>T

Gene: RHBDF2 (rhomboid 5 homolog 2; minus strand). Cytogenetic location: 17q25.1.
Variant type: single nucleotide variant.
Coding change: c.673-9C>T on transcript NM_001005498.4 (MANE Select); 9 bases into the intron before coding-DNA position 673, C replaced by T.
Molecular consequence: intron variant.
Genome position (GRCh38, 1-based): chr17:76,477,794, G>A on the plus strand (C>T on the coding strand, the complement: RHBDF2 is on the minus strand). VCF-style: chr17-76477794-G-A. GRCh37 (hg19) VCF-style: chr17-74473876-G-A.
Other names: c.760-9C>T (NM_024599.5); c.673-9C>T (NM_001376230.1, NM_001376228.1, NM_001376229.1).
Identifiers: ClinVar variation 3043498 (VCV003043498.5), dbSNP rs550979701, ClinGen allele CA8787270.